The following is an entry in ClinVar:

ClinVar aggregate classification (germline): Uncertain significance (1 of 4 stars; one submission).

Allele frequency attached by ClinVar (database versions not stated): gnomAD exomes below 0.00001.

Submission:

Labcorp Genetics (formerly Invitae), Labcorp
Classification: Uncertain significance. Last evaluated: 2024-11-08. Review status: criteria provided, single submitter. Criteria: Invitae Variant Classification Sherloc (09022015). Collection method: clinical testing. Allele origin: germline.
Comment: This sequence change replaces glutamic acid, which is acidic and polar, with lysine, which is basic and polar, at codon 516 of the TCF3 protein (p.Glu516Lys). This variant is present in population databases (no rsID available, gnomAD 0.0009%). This variant has not been reported in the literature in individuals affected with TCF3-related conditions. ClinVar contains an entry for this variant (Variation ID: 1345362). Invitae Evidence Modeling of protein sequence and biophysical properties (such as structural, functional, and spatial information, amino acid conservation, physicochemical variation, residue mobility, and thermodynamic stability) indicates that this missense variant is not expected to disrupt TCF3 protein function with a negative predictive value of 80%. In summary, the available evidence is currently insufficient to determine the role of this variant in disease. Therefore, it has been classified as a Variant of Uncertain Significance.

NM_003200.5(TCF3):c.1546G>A (p.Glu516Lys)

Gene: TCF3 (transcription factor 3; minus strand). Cytogenetic location: 19p13.3.
Variant type: single nucleotide variant.
Coding change: c.1546G>A on transcript NM_003200.5 (MANE Select); coding-DNA position 1546, G replaced by A.
Protein change: p.Glu516Lys; replaces glutamic acid 516 with lysine.
Molecular consequence: missense variant.
Genome position (GRCh38, 1-based): chr19:1,615,726, C>T on the plus strand (G>A on the coding strand, the complement: TCF3 is on the minus strand). VCF-style: chr19-1615726-C-T. GRCh37 (hg19) VCF-style: chr19-1615725-C-T.
Other names: c.1546G>A, p.Glu516Lys (NM_001136139.4, NM_001351779.2); c.1543G>A, p.Glu515Lys (NM_001351778.2); short protein forms E516K, E515K.
Identifiers: ClinVar variation 1345362 (VCV001345362.6), dbSNP rs1470356277, ClinGen allele CA403051530.
Genomic context (GRCh38, chr19:1,615,726, plus strand): 5'-GCCGAGGGGTGGGTTGGCACCTGGTCCGGGCCCGGGGGGCCTTCAGCTCCTTCTTCTCCT[C>T]CTCCGAGTGGTCAGCCGCTGACGTGTTCTCCTCGTCCTCCTTCTCCTCCCGCTTGATCTC-3'
Protein context (NP_003191.1, residues 506-526): ENTSAADHSE[Glu516Lys]EKKELKAPRA